The following is an entry in ClinVar:

ClinVar aggregate classification (germline): Pathogenic (1 of 4 stars; one submission).

Conditions:
Glycogen storage disease, type II (IOPD). Also called: CARDIOMEGALIA GLYCOGENICA DIFFUSA; GLYCOGENOSIS, GENERALIZED, CARDIAC FORM; GSD II; POMPE DISEASE, INFANTILE-ONSET; GLYCOGEN STORAGE DISEASE II, INFANTILE-ONSET; ACID ALPHA-GLUCOSIDASE DEFICIENCY, INFANTILE-ONSET. Identifiers: Orphanet 365, MedGen C0017921, MONDO:0009290, OMIM 232300.

Submission:

Labcorp Genetics (formerly Invitae), Labcorp
Classification: Pathogenic for Glycogen storage disease, type II. Last evaluated: 2021-12-01. Review status: criteria provided, single submitter. Criteria: Invitae Variant Classification Sherloc (09022015). Collection method: clinical testing. Allele origin: germline.
Comment: For these reasons, this variant has been classified as Pathogenic. This variant has not been reported in the literature in individuals affected with GAA-related conditions. This variant is a gross deletion of the genomic region encompassing exon(s) 9-15 of the GAA gene. This deletion is out-of-frame, and is expected to create a premature termination codon and result in an absent or disrupted protein product. Loss-of-function variants in GAA are known to be pathogenic (PMID: 18425781, 22252923).

Literature cited by the submitters: PubMed 18425781; PubMed 22252923.

NC_000017.11:g.(?_80109935)_(80113376_?)del

Gene: GAA (alpha glucosidase; plus strand). Cytogenetic location: 17q25.3.
Variant type: Deletion.
Identifiers: ClinVar variation 832072 (VCV000832072.3).